The following is an entry in ClinVar:

ClinVar aggregate classification (germline): Uncertain significance. Review status: criteria provided, multiple submitters, no conflicts (2 of 4 stars). 2 submissions from 2 submitters: Uncertain significance (2). Last evaluated 2025-04-30.

Conditions:
Long QT syndrome (LQTS). Identifiers: MedGen C0023976, MeSH D008133, MONDO:0002442. Disease mechanism: loss of function. Inheritance: Various modes of inheritance.
Cardiovascular phenotype. Identifiers: MedGen CN230736.

gnomAD v4.1: 3 of 1,614,106 alleles (0.00019%); highest among the groups gnomAD compares: Non-Finnish European, 0.00025%; no homozygotes.

Submissions (2):

Labcorp Genetics (formerly Invitae), Labcorp
Classification: Uncertain significance for Long QT syndrome. Last evaluated: 2025-04-30. Review status: criteria provided, single submitter. Criteria: Invitae Variant Classification Sherloc (09022015). Collection method: clinical testing. Allele origin: germline.
Comment: This sequence change replaces alanine, which is neutral and non-polar, with threonine, which is neutral and polar, at codon 3738 of the AKAP9 protein (p.Ala3738Thr). This variant is present in population databases (rs777423873, gnomAD 0.0009%). This variant has not been reported in the literature in individuals affected with AKAP9-related conditions. ClinVar contains an entry for this variant (Variation ID: 3517035). An algorithm developed to predict the effect of missense changes on protein structure and function outputs the following: PolyPhen-2: "Benign". The threonine amino acid residue is found in multiple mammalian species, which suggests that this missense change does not adversely affect protein function. In summary, the available evidence is currently insufficient to determine the role of this variant in disease. Therefore, it has been classified as a Variant of Uncertain Significance.

Ambry Genetics
Classification: Uncertain significance for Cardiovascular phenotype. Last evaluated: 2024-10-24. Review status: criteria provided, single submitter. Criteria: Ambry Variant Classification Scheme 2023. Collection method: clinical testing. Allele origin: germline.
Comment: The p.A3738T variant (also known as c.11212G>A), located in coding exon 46 of the AKAP9 gene, results from a G to A substitution at nucleotide position 11212. The alanine at codon 3738 is replaced by threonine, an amino acid with similar properties. This amino acid position is conserved. In addition, this alteration is predicted to be tolerated by in silico analysis. Based on the available evidence, the clinical significance of this variant remains unclear.

NM_005751.5(AKAP9):c.11212G>A (p.Ala3738Thr)

Gene: AKAP9 (A-kinase anchoring protein 9; plus strand). Cytogenetic location: 7q21.2.
Variant type: single nucleotide variant.
Coding change: c.11212G>A on transcript NM_005751.5 (MANE Select); coding-DNA position 11212, G replaced by A.
Protein change: p.Ala3738Thr; replaces alanine 3738 with threonine.
Molecular consequence: missense variant.
Genome position (GRCh38, 1-based): chr7:92,102,708, G>A. VCF-style: chr7-92102708-G-A. GRCh37 (hg19) VCF-style: chr7-91732022-G-A.
Other names: c.5857G>A, p.Ala1953Thr (NM_001379277.1); c.11188G>A, p.Ala3730Thr (NM_147185.3); short protein forms A1953T, A3730T, A3738T.
Identifiers: ClinVar variation 3517035 (VCV003517035.2).